The following is an entry in ClinVar:

NM_006565.4(CTCF):c.782-2A>G

Gene: CTCF (CCCTC-binding factor; plus strand). Cytogenetic location: 16q22.1.
Variant type: single nucleotide variant.
Coding change: c.782-2A>G on transcript NM_006565.4 (MANE Select); the canonical splice acceptor site of the intron before coding-DNA position 782, A replaced by G.
Molecular consequence: splice acceptor variant. On other transcripts: intron variant (1).
Genome position (GRCh38, 1-based): chr16:67,611,949, A>G. VCF-style: chr16-67611949-A-G. GRCh37 (hg19) VCF-style: chr16-67645852-A-G.
Other names: c.782-2A>G (NM_001438969.1, NM_001438968.1, NM_001363916.2); c.-32-4796A>G (NM_001191022.2).
Identifiers: ClinVar variation 522045 (VCV000522045.7), dbSNP rs1555534189, ClinGen allele CA396308669.

ClinVar aggregate classification (germline): Pathogenic/Likely pathogenic. Review status: criteria provided, multiple submitters, no conflicts (2 of 4 stars). 3 submissions from 3 submitters: Pathogenic (1); Likely pathogenic (2). Last evaluated 2024-12-03.

Conditions:
CTCF-related neurodevelopmental disorder. Also called: Intellectual disability-feeding difficulties-developmental delay-microcephaly syndrome; INTELLECTUAL DEVELOPMENTAL DISORDER, AUTOSOMAL DOMINANT 21. Identifiers: Orphanet 363611, MedGen C3809686, MONDO:0014213, OMIM 615502.
Inborn genetic diseases. Identifiers: MedGen C0950123, MeSH D030342.

Submissions (3):

GeneDx
Classification: Pathogenic. Last evaluated: 2024-12-03. Review status: criteria provided, single submitter. Criteria: GeneDx Variant Classification Process June 2021. Collection method: clinical testing. Allele origin: germline.
Comment: Observed in an individual with CTCF-related disorder in the published literature (PMID: 31239556); Canonical splice site variant predicted to result in an in-frame loss of the adjacent exon in a gene for which loss of function is a known mechanism of disease; Not observed at significant frequency in large population cohorts (gnomAD); This variant is associated with the following publications: (PMID: 36454652, 31239556)

Institute of Human Genetics, University of Leipzig Medical Center
Classification: Likely pathogenic for CTCF-related neurodevelopmental disorder. Last evaluated: 2019-12-21. Review status: criteria provided, single submitter. Criteria: ACMG Guidelines, 2015. Collection method: clinical testing. Allele origin: germline.

Ambry Genetics
Classification: Likely pathogenic for Inborn genetic diseases. Last evaluated: 2017-09-07. Review status: criteria provided, single submitter. Criteria: Ambry exome assertion method (8-5-2015). Collection method: clinical testing. Allele origin: germline. Affected: yes. Observed: 1 variant allele.

Literature cited by the submitters: PubMed 31239556 (cited by Institute of Human Genetics, University of Leipzig Medical Center).